The following is an entry in ClinVar:

ClinVar aggregate classification (germline): Uncertain significance (1 of 4 stars; one submission).

Conditions:
Inborn genetic diseases. Identifiers: MedGen C0950123, MeSH D030342.

Submission:

Ambry Genetics
Classification: Uncertain significance for Inborn genetic diseases. Last evaluated: 2026-05-19. Review status: criteria provided, single submitter. Criteria: Ambry Variant Classification Scheme 2023. Collection method: clinical testing. Allele origin: germline.
Comment: The c.2662A>G (p.I888V) alteration is located in exon 8 (coding exon 8) of the IQSEC2 gene. This alteration results from an A to G substitution at nucleotide position 2662, causing the isoleucine (I) at amino acid position 888 to be replaced by a valine (V). This variant was not reported in population-based cohorts in the Genome Aggregation Database (gnomAD). This amino acid position is highly conserved in available vertebrate species. This missense alteration is located in a region that has a low rate of benign missense variation (Lek, 2016; Firth, 2009). The in silico prediction for this alteration is inconclusive. Based on insufficient or conflicting evidence, the clinical significance of this alteration remains unclear.

NM_001111125.3(IQSEC2):c.2662A>G (p.Ile888Val)

Gene: IQSEC2 (IQ motif and Sec7 domain ArfGEF 2; minus strand). Cytogenetic location: Xp11.22.
Variant type: single nucleotide variant.
Coding change: c.2662A>G on transcript NM_001111125.3 (MANE Select); coding-DNA position 2662, A replaced by G.
Protein change: p.Ile888Val; replaces isoleucine 888 with valine.
Molecular consequence: missense variant.
Genome position (GRCh38, 1-based): chrX:53,247,056, T>C on the plus strand (A>G on the coding strand, the complement: IQSEC2 is on the minus strand). VCF-style: chrX-53247056-T-C. GRCh37 (hg19) VCF-style: chrX-53276238-T-C.
Other names: c.2662A>G, p.Ile888Val (NM_001410736.1); c.2047A>G, p.Ile683Val (NM_015075.2); short protein forms I888V, I683V.
Identifiers: ClinVar variation 3110681 (VCV003110681.3), dbSNP rs1008028589, ClinGen allele CA329165251.
Genomic context (GRCh38, chrX:53,247,056, plus strand): 5'-GTTTCATCTTTCGTTCAGCTTTGACGCTGGGACTGTACATGTCGGTATTGAGGAGGATGA[T>C]GGCAAAAGCAAGGATGAAGATGGTGTCTGGGTTCCGGAACTGGCGCACGAGGGCTGGGTT-3'
Protein context (NP_001104595.1, residues 878-898): PDTIFILAFA[Ile888Val]ILLNTDMYSP